The following is an entry in ClinVar:

NM_177972.3(TUB):c.1387+4_1387+7del

Genes: RIC3 (RIC3 acetylcholine receptor chaperone; minus strand), TUB (TUB bipartite transcription factor; plus strand). Cytogenetic location: 11p15.4.
Variant type: Deletion.
Coding change: c.1387+4_1387+7del on transcript NM_177972.3 (MANE Select); bases 4 to 7 of the intron after coding-DNA position 1387, 4 bases deleted (AGTG; older notation c.1387+4_1387+7delAGTG).
Molecular consequence: splice donor variant.
Genome position (GRCh38, 1-based): chr11:8,101,001-8,101,004, AGTG deleted; deleting any 4 consecutive bases within chr11:8,100,998-8,101,004 gives the same sequence; the c. name uses the placement nearest the transcript's 3' end. VCF-style (leftmost placement, unchanged base first): chr11-8100997-CGTGA-C. GRCh37 (hg19) VCF-style: chr11-8122544-CGTGA-C.
Other names: c.1552+4_1552+7del (NM_003320.5).
Identifiers: ClinVar variation 856270 (VCV000856270.8), dbSNP rs765777554, ClinGen allele CA5871475.

ClinVar aggregate classification (germline): Uncertain significance. Review status: criteria provided, multiple submitters, no conflicts (2 of 4 stars). 2 submissions from 2 submitters: Uncertain significance (2). Last evaluated 2024-05-22.

Submissions (2):

Labcorp Genetics (formerly Invitae), Labcorp
Classification: Uncertain significance. Last evaluated: 2024-05-22. Review status: criteria provided, single submitter. Criteria: Invitae Variant Classification Sherloc (09022015). Collection method: clinical testing. Allele origin: germline.
Comment: This sequence change falls in intron 12 of the TUB gene. It does not directly change the encoded amino acid sequence of the TUB protein. It affects a nucleotide within the consensus splice site. This variant is present in population databases (rs765777554, gnomAD 0.0009%). This variant has not been reported in the literature in individuals affected with TUB-related conditions. ClinVar contains an entry for this variant (Variation ID: 856270). Variants that disrupt the consensus splice site are a relatively common cause of aberrant splicing (PMID: 17576681, 9536098). Algorithms developed to predict the effect of sequence changes on RNA splicing suggest that this variant may disrupt the consensus splice site. In summary, the available evidence is currently insufficient to determine the role of this variant in disease. Therefore, it has been classified as a Variant of Uncertain Significance.

Blueprint Genetics
Classification: Uncertain significance. Last evaluated: 2022-11-04. Review status: criteria provided, single submitter. Criteria: ACMG Guidelines, 2015. Collection method: clinical testing. Allele origin: germline.

Literature cited by the submitters: PubMed 17576681 (cited by Labcorp Genetics (formerly Invitae), Labcorp); PubMed 9536098 (cited by Labcorp Genetics (formerly Invitae), Labcorp).